The following is an entry in ClinVar:

ClinVar aggregate classification (germline): Conflicting classifications of pathogenicity. Review status: criteria provided, conflicting classifications (1 of 4 stars). 5 submissions from 5 submitters: Uncertain significance (3); Likely benign (1). 1 of the submissions does not count toward it. Last evaluated 2025-12-17.

Conditions:
MCPH1-related disorder. Also called: MCPH1-related condition.
Microcephaly 1, primary, autosomal recessive (MCPH1). Also called: PREMATURE CHROMOSOME CONDENSATION SYNDROME; PCC SYNDROME; PREMATURE CHROMOSOME CONDENSATION WITH MICROCEPHALY AND MENTAL RETARDATION. Identifiers: Orphanet 2512, MedGen C1855081, MONDO:0009617, OMIM 251200.

Allele frequency attached by ClinVar (database versions not stated): TOPMed 0.00005; 1000 Genomes Project 0.00120; 1000 Genomes Project 30x 0.00125.
gnomAD v4.1: 436 of 1,614,218 alleles (0.027%); highest among the groups gnomAD compares: South Asian, 0.43%; 1 homozygote.

Submissions (5):

Labcorp Genetics (formerly Invitae), Labcorp
Classification: Likely benign. Last evaluated: 2025-12-17. Review status: criteria provided, single submitter. Criteria: Invitae Variant Classification Sherloc (09022015). Collection method: clinical testing. Allele origin: germline.

Athena Diagnostics
Classification: Uncertain significance. Last evaluated: 2018-09-18. Review status: criteria provided, single submitter. Criteria: Athena Diagnostics Criteria. Collection method: clinical testing. Allele origin: germline.

Illumina Laboratory Services, Illumina
Classification: Uncertain significance for Microcephaly 1, primary, autosomal recessive. Last evaluated: 2018-01-13. Review status: criteria provided, single submitter. Criteria: ICSL Variant Classification Criteria 13 December 2019. Collection method: clinical testing. Allele origin: germline.

Genetic Services Laboratory, University of Chicago
Classification: Uncertain significance. Last evaluated: 2016-05-03. Review status: criteria provided, single submitter. Criteria: ACMG Guidelines, 2015. Collection method: clinical testing. Allele origin: germline. Affected: no.

PreventionGenetics, part of Exact Sciences
Classification: Likely benign for MCPH1-related condition. Last evaluated: 2023-04-08. Review status: no assertion criteria provided. Collection method: clinical testing. Allele origin: germline. Not counted in ClinVar's aggregate classification.
Comment: This variant is classified as likely benign based on ACMG/AMP sequence variant interpretation guidelines (Richards et al. 2015 PMID: 25741868, with internal and published modifications).

NM_024596.5(MCPH1):c.1403C>A (p.Thr468Asn)

Gene: MCPH1 (microcephalin 1; plus strand). Cytogenetic location: 8p23.1.
Variant type: single nucleotide variant.
Coding change: c.1403C>A on transcript NM_024596.5 (MANE Select); coding-DNA position 1403, C replaced by A.
Protein change: p.Thr468Asn; replaces threonine 468 with asparagine.
Molecular consequence: missense variant. On other transcripts: non-coding transcript variant (1).
Genome position (GRCh38, 1-based): chr8:6,445,125, C>A. VCF-style: chr8-6445125-C-A. GRCh37 (hg19) VCF-style: chr8-6302646-C-A.
Other names: c.1403C>A (NM_001322042.1); c.1403C>A, p.Thr468Asn (NM_001172574.2, NM_001322042.2, NM_001363979.1 and 1 more transcripts); c.1259C>A, p.Thr420Asn (NM_001172575.2); c.1397C>A, p.Thr466Asn (NM_001322043.2); c.1301C>A, p.Thr434Asn (NM_001322045.2); short protein forms T468N, T466N, T420N, T434N.
Identifiers: ClinVar variation 363525 (VCV000363525.21), dbSNP rs548329168, ClinGen allele CA4610542.
Genomic context (GRCh38, chr8:6,445,125, plus strand): 5'-CTAAGAAGGAGAGAACAAGCATATTTGAAATGTCTGATTTTTCCTGCGTTGGCAAAAAAA[C>A]CAGAACAGTTGACATTACCAATTTCACAGCAAAAACCATCTCCAGTCCTCGGAAAACTGG-3'
Protein context (NP_078872.3, residues 458-478): MSDFSCVGKK[Thr468Asn]RTVDITNFTA